The following is an entry in ClinVar:

NM_003000.3(SDHB):c.137G>A (p.Arg46Gln)

Gene: SDHB (succinate dehydrogenase complex iron sulfur subunit B; minus strand). Cytogenetic location: 1p36.13.
Variant type: single nucleotide variant.
Coding change: c.137G>A on transcript NM_003000.3 (MANE Select); coding-DNA position 137, G replaced by A.
Protein change: p.Arg46Gln; replaces arginine 46 with glutamine.
Molecular consequence: missense variant.
Genome position (GRCh38, 1-based): chr1:17,044,824, C>T on the plus strand (G>A on the coding strand, the complement: SDHB is on the minus strand). VCF-style: chr1-17044824-C-T. GRCh37 (hg19) VCF-style: chr1-17371319-C-T.
Other names: p.R46Q:CGA>CAA; short protein forms R46Q.
Identifiers: ClinVar variation 183793 (VCV000183793.79), dbSNP rs772551056, ClinGen allele CA015517.

ClinVar aggregate classification (germline): Pathogenic/Likely pathogenic. Review status: criteria provided, multiple submitters, no conflicts (2 of 4 stars). 26 submissions from 26 submitters: Pathogenic (22); Likely pathogenic (2). 2 of the submissions do not count toward it. Last evaluated 2026-06-29.

Conditions:
Inherited renal cancer.
Inherited phaeochromocytoma and paraganglioma excluding NF1.
SDHB-related disorder. Also called: SDHB-related condition; SDHB-related disorders. Identifiers: MedGen CN239418.
Gastrointestinal stromal tumor. Also called: Gastrointestinal stroma tumor; Gastrointestinal stromal tumor, somatic. Identifiers: Orphanet 44890, MedGen C0238198, MeSH D046152, MONDO:0011719, OMIM 606764, HP:0100723.
Carney-Stratakis syndrome. Also called: PARAGANGLIOMA AND GASTROINTESTINAL STROMAL TUMOR. Identifiers: Orphanet 97286, MedGen C1847319, MONDO:0011740, OMIM 606864.
Pheochromocytoma/paraganglioma syndrome 4. Also called: SDHB-Related Hereditary Paraganglioma-Pheochromocytoma Syndrome (Paragangliomas 4); CAROTID BODY TUMORS AND MULTIPLE EXTRAADRENAL PHEOCHROMOCYTOMAS; SDHB-Related Hereditary Paraganglioma-Pheochromocytoma Syndrome; PARAGANGLIOMA, FAMILIAL MALIGNANT; PARAGANGLIOMAS, HEREDITARY EXTRAADRENAL; PHEOCHROMOCYTOMA, FAMILIAL EXTRAADRENAL. Identifiers: Orphanet 29072, MedGen C1861848, MONDO:0007273, OMIM 115310.
Mitochondrial complex 2 deficiency, nuclear type 4. Also called: MITOCHONDRIAL COMPLEX II DEFICIENCY, NUCLEAR TYPE 4. Identifiers: MedGen C5543176, MONDO:0030974, OMIM 619224.
Hereditary cancer-predisposing syndrome. Also called: Tumor predisposition; Neoplastic Syndromes, Hereditary; Hereditary Cancer Syndrome; Hereditary neoplastic syndrome. Identifiers: Orphanet 140162, MedGen C0027672, MeSH D009386, MONDO:0015356.
Pheochromocytoma. Also called: MAX-Related Hereditary Paraganglioma-Pheochromocytoma Syndrome. Identifiers: Orphanet 29072, MedGen C0031511, MONDO:0008233, OMIM 171300, HP:0002666.
Hereditary pheochromocytoma and paraganglioma. Also called: Hereditary paragangliomas and pheochromocytomas; Hereditary Paraganglioma-Pheochromocytoma Syndromes; Hereditary pheochromocytoma-paraganglioma. Identifiers: Orphanet 29072, MedGen C4274332, MONDO:0017366.

Allele frequency attached by ClinVar (database versions not stated): gnomAD exomes below 0.00001; ExAC 0.00001; gnomAD 0.00001; TOPMed 0.00002.
gnomAD v4.1: 27 of 1,613,850 alleles (0.0017%); highest among the groups gnomAD compares: East Asian, 0.0022%; no homozygotes.

Submissions 1 to 7 of 26:

Ambry Genetics
Classification: Pathogenic for Hereditary cancer-predisposing syndrome. Last evaluated: 2026-06-29. Review status: criteria provided, single submitter. Criteria: Ambry Variant Classification Scheme 2023. Collection method: clinical testing. Allele origin: germline.
Comment: The c.137G>A (p.R46Q) alteration is located in exon 2 (coding exon 2) of the SDHB gene. This alteration results from a G to A substitution at nucleotide position 137, causing the arginine (R) at amino acid position 46 to be replaced by a glutamine (Q). Based on data from gnomAD, the A allele has an overall frequency of <0.001% (1/251358) total alleles studied. The highest observed frequency was 0.001% (1/113664) of European (non-Finnish) alleles. This variant has been seen in multiple patients with pheochromocytoma, paraganglioma, and/or GIST (Gimenez-Roqueplo, 2002; Benn, 2003; Neumann, 2004; Benn, 2006; Timmers, 2008; Miettinen, 2013; McInerney-Leo, 2014; Kimura, 2014; Jochmanova, 2017; Andrews, 2018; Rijken, 2018; Ji, 2020; Greenberg, 2020; Bayley, 2020; Yonamine, 2021). This amino acid position is highly conserved in available vertebrate species. Structural analysis showed that the R46Q alteration impaired iron incorporation and Complex II biogenesis (Maio, 2014). This variant has been shown to increase protein degradation and to reduce mutant protein half-life in transfected cell lines (Saxena, 2016; Yang, 2012) . In addition, in vitro analyses have shown significantly reduced mitochondrial SDHB expression and a reduction in SDHB enzymatic activity compared to wild type (Kim, 2015). Functional analysis of R46Q demonstrated complete loss of SDHB-SDHAF3 interaction (Dwight, 2017). This alteration is predicted to be deleterious by in silico analysis. Based on the available evidence, this alteration is classified as pathogenic.

PreventionGenetics, part of Exact Sciences
Classification: Pathogenic for SDHB-related condition. Last evaluated: 2026-03-30. Review status: criteria provided, single submitter. Criteria: ACMG Guidelines, 2015. Collection method: clinical testing. Allele origin: germline.
Comment: The SDHB c.137G>A variant is predicted to result in the amino acid substitution p.Arg46Gln. This variant has been reported in several unrelated individuals with pheochromocytoma, paraganglioma, and gastrointestinal stromal tumors (see for example, Gimenez-Roqueplo et al. 2002. PubMed ID: 12364472; Gimenez-Roqueplo et al. 2003. PubMed ID: 14500403; Benn et al. 2003. PubMed ID: 12618761; Neumann et al. 2004. PubMed ID: 15328326; Miettinen et al. 2013. PubMed ID: 23282968). Functional in vitro assays show that this variant leads to protein instability (Yang et al. 2012. PubMed ID: 22835832; Saxena et al. 2016. PubMed ID: 26719882). This variant is reported in 0.00088% of alleles in individuals of European (Non-Finnish) descent in gnomAD. In ClinVar, it is reported as likely pathogenic/pathogenic by several laboratories (Variation ID: 183793). We classify this variant as pathogenic.

Labcorp Genetics (formerly Invitae), Labcorp
Classification: Pathogenic for Gastrointestinal stromal tumor; Pheochromocytoma/paraganglioma syndrome 4; Pheochromocytoma. Last evaluated: 2026-01-26. Review status: criteria provided, single submitter. Criteria: Invitae Variant Classification Sherloc (09022015). Collection method: clinical testing. Allele origin: germline.
Comment: This sequence change replaces arginine, which is basic and polar, with glutamine, which is neutral and polar, at codon 46 of the SDHB protein (p.Arg46Gln). This variant is present in population databases (rs772551056, gnomAD 0.0009%). This missense change has been observed in individuals with pheochromocytoma, paraganglioma, gastrointestinal stromal tumors, adrenal tumors, and renal cancer (PMID: 12618761, 14500403, 15328326, 16314641, 17102082, 18362451, 23083876, 23282968). ClinVar contains an entry for this variant (Variation ID: 183793). Invitae Evidence Modeling of protein sequence and biophysical properties (such as structural, functional, and spatial information, amino acid conservation, physicochemical variation, residue mobility, and thermodynamic stability) indicates that this missense variant is expected to disrupt SDHB protein function with a positive predictive value of 80%. Experimental studies have shown that this missense change affects SDHB function (PMID: 22835832, 25972245, 26719882). This variant disrupts the p.Arg46 amino acid residue in SDHB. Other variant(s) that disrupt this residue have been determined to be pathogenic (PMID: 14500403, 15328326, 25972245). This suggests that this residue is clinically significant, and that variants that disrupt this residue are likely to be disease-causing. For these reasons, this variant has been classified as Pathogenic.

Women's Health and Genetics/Laboratory Corporation of America, LabCorp
Classification: Pathogenic for Hereditary pheochromocytoma and paraganglioma. Last evaluated: 2025-12-17. Review status: criteria provided, single submitter. Criteria: LabCorp Variant Classification Summary - May 2015. Collection method: clinical testing. Allele origin: germline.
Comment: Variant summary: SDHB c.137G>A (p.Arg46Gln) results in a conservative amino acid change in the encoded protein sequence. Algorithms developed to predict the effect of missense changes on protein structure and function are either unavailable or do not agree on the potential impact of this missense change. The variant allele was found at a frequency of 4e-06 in 251816 control chromosomes (gnomAD). c.137G>A has been observed in multiple individuals affected with Hereditary Paraganglioma-Pheochromocytoma Syndrome (e.g. Allibhai_2004, Neuman_2004, Gimenez-Roquepli_2002, Gimenez-Roquepli_2003, Benn_2003, Takekoshi_2008). These data indicate that the variant is very likely to be associated with disease. At least one publication reports experimental evidence evaluating an impact on protein function. The most pronounced variant effect results in <10% of normal activity (Gimenez-Roquepli_2002). The following publications have been ascertained in the context of this evaluation (PMID: 16001332, 15371856, 12618761, 14500403, 12364472, 15473885, 15328326, 18362451, 15476441, 15476441). ClinVar contains an entry for this variant (Variation ID: 183793). Based on the evidence outlined above, the variant was classified as pathogenic.

Genetics Laboratory, Great Ormond Street Hospital NHS Foundation Trust, North Thames Genomic Laboratory Hub
Classification: Likely pathogenic for Inherited renal cancer. Last evaluated: 2025-11-13. Review status: criteria provided, single submitter. Criteria: CanVIG SDH Gene Specific V1.3. Collection method: clinical testing. Allele origin: germline. Affected: yes.
Comment: PS4_moderate, PM2_moderate, PP3_supporting, PP4_moderate

NHS Central & South Genomic Laboratory Hub
Classification: Pathogenic for Inherited phaeochromocytoma and paraganglioma excluding NF1. Last evaluated: 2025-10-21. Review status: criteria provided, single submitter. Criteria: ACMG Guidelines, 2015. Collection method: clinical testing. Allele origin: germline. Affected: yes.

Variantyx, Inc.
Classification: Pathogenic for Pheochromocytoma/paraganglioma syndrome 4. Last evaluated: 2025-08-14. Review status: criteria provided, single submitter. Criteria: Variantyx Assertion Criteria 2022. Collection method: clinical testing. Allele origin: germline. Inheritance: Autosomal dominant inheritance. Affected: yes.
Comment: This is a nonsynonymous variant in the SDHB gene (OMIM: 185470). Pathogenic variants in this gene have been associated with autosomal dominant pheochromocytoma/paraganglioma syndrome 4. This variant has been reported in several unrelated affected individuals (PMID: 12364472, 18362451, 23083876, 23282968, 26719882, 27700540, 28490599) (PS4). Functional studies have shown that this variant alters SDHB protein function (PMID: 22835832, 23175444, 25972245) (PS3) and multiple computational algorithms predict a deleterious effect for this variant (REVEL score: 0.911) (PP3). Alternate amino acid changes at this position (p.Arg46Gly; p.Arg46Leu) have been previously reported in affected individuals (PMID: 25972245, 28738844) (PM5). . This variant has a 0.0022% maximum allele frequency in non-founder control populations (PM2). Based on the current evidence, this variant is classified as pathogenic for autosomal dominant pheochromocytoma/paraganglioma syndrome 4.